The following is an entry in ClinVar:

ClinVar aggregate classification (germline): Conflicting classifications of pathogenicity. Review status: criteria provided, conflicting classifications (1 of 4 stars). 6 submissions from 6 submitters: Uncertain significance (2); Benign (2); Likely benign (2). Last evaluated 2026-01-14.

Conditions:
Hereditary cancer-predisposing syndrome. Also called: Tumor predisposition; Hereditary Cancer Syndrome; Neoplastic Syndromes, Hereditary; Hereditary neoplastic syndrome. Identifiers: Orphanet 140162, MedGen C0027672, MeSH D009386, MONDO:0015356.
Neuroblastoma, susceptibility to, 3. Also called: ALK-Related Neuroblastic Tumor Susceptibility. Identifiers: Orphanet 635, MedGen C2751681, MONDO:0013083, OMIM 613014.

Allele frequency attached by ClinVar (database versions not stated): gnomAD 0.00004 and 0.00011; TOPMed 0.00004; gnomAD exomes 0.00010 and 0.00021; ExAC 0.00014; 1000 Genomes Project 30x 0.00031; 1000 Genomes Project 0.00040.

Submissions (6):

Labcorp Genetics (formerly Invitae), Labcorp
Classification: Likely benign for Neuroblastoma, susceptibility to, 3. Last evaluated: 2026-01-14. Review status: criteria provided, single submitter. Criteria: Invitae Variant Classification Sherloc (09022015). Collection method: clinical testing. Allele origin: germline.

Ambry Genetics
Classification: Benign for Hereditary cancer-predisposing syndrome. Last evaluated: 2024-06-26. Review status: criteria provided, single submitter. Criteria: Ambry Variant Classification Scheme 2023. Collection method: clinical testing. Allele origin: germline.

GeneDx
Classification: Uncertain significance. Last evaluated: 2023-11-25. Review status: criteria provided, single submitter. Criteria: GeneDx Variant Classification Process June 2021. Collection method: clinical testing. Allele origin: germline. Affected: yes.
Comment: In silico analysis supports that this missense variant has a deleterious effect on protein structure/function; Has not been previously published as pathogenic or benign to our knowledge

Department of Pathology and Laboratory Medicine, Sinai Health System
Classification: Uncertain significance for neuroblastoma, susceptibility to, 3. Last evaluated: 2022-05-04. Review status: criteria provided, single submitter. Criteria: ACMG Guidelines, 2015. Collection method: research. Allele origin: germline.

Sema4
Classification: Benign for Hereditary cancer-predisposing syndrome. Last evaluated: 2021-12-07. Review status: criteria provided, single submitter. Criteria: Sema4 Curation Guidelines. Collection method: curation. Allele origin: germline.

Illumina Laboratory Services, Illumina
Classification: Likely benign for Neuroblastoma, susceptibility to, 3. Last evaluated: 2018-01-12. Review status: criteria provided, single submitter. Criteria: ICSL Variant Classification Criteria 13 December 2019. Collection method: clinical testing. Allele origin: germline.
Comment: This variant was observed in the ICSL laboratory as part of a predisposition screen in an ostensibly healthy population. It had not been previously curated by ICSL or reported in the Human Gene Mutation Database (HGMD: prior to June 1st, 2018), and was therefore a candidate for classification through an automated scoring system. Utilizing variant allele frequency, disease prevalence and penetrance estimates, and inheritance mode, an automated score was calculated to assess if this variant is too frequent to cause the disease. Based on the score and internal cut-off values, a variant classified as likely benign is not then subjected to further curation. The score for this variant resulted in a classification of likely benign for this disease.

NM_004304.5(ALK):c.4433T>C (p.Met1478Thr)

Gene: ALK (ALK receptor tyrosine kinase; minus strand). Cytogenetic location: 2p23.2.
Variant type: single nucleotide variant.
Coding change: c.4433T>C on transcript NM_004304.5 (MANE Select); coding-DNA position 4433, T replaced by C.
Protein change: p.Met1478Thr; replaces methionine 1478 with threonine.
Molecular consequence: missense variant.
Genome position (GRCh38, 1-based): chr2:29,193,654, A>G on the plus strand (T>C on the coding strand, the complement: ALK is on the minus strand). VCF-style: chr2-29193654-A-G. GRCh37 (hg19) VCF-style: chr2-29416520-A-G.
Other names: c.1229T>C, p.Met410Thr (NM_001353765.2); short protein forms M1478T, M410T.
Identifiers: ClinVar variation 335688 (VCV000335688.21), dbSNP rs141010693, ClinGen allele CA1593574.
Genomic context (GRCh38, chr2:29,193,654, plus strand): 5'-TTGTTTCTGGATCCGTGGACCTTGTGCAACTCCGAAGGAGGGTTGGACTGAGAGAATGCC[A>G]TATTCACGTGTCCCCCTTCCACGGCCGGCCCTCTAGGGACTCGAACAGAGATCTCTGCAG-3'
Protein context (NP_004295.2, residues 1468-1488): GPAVEGGHVN[Met1478Thr]AFSQSNPPSE